The following is an entry in ClinVar:

NM_000222.3(KIT):c.2923G>A (p.Asp975Asn)

Gene: KIT (KIT proto-oncogene, receptor tyrosine kinase; plus strand). Cytogenetic location: 4q12.
Variant type: single nucleotide variant.
Coding change: c.2923G>A on transcript NM_000222.3 (MANE Select); coding-DNA position 2923, G replaced by A.
Protein change: p.Asp975Asn; replaces aspartic acid 975 with asparagine.
Molecular consequence: missense variant.
Genome position (GRCh38, 1-based): chr4:54,738,549, G>A. VCF-style: chr4-54738549-G-A. GRCh37 (hg19) VCF-style: chr4-55604715-G-A.
Other names: c.2911G>A, p.Asp971Asn (NM_001093772.2, NM_001385292.1); c.2926G>A, p.Asp976Asn (NM_001385284.1); c.2920G>A, p.Asp974Asn (NM_001385285.1); c.2908G>A, p.Asp970Asn (NM_001385286.1); c.2914G>A, p.Asp972Asn (NM_001385288.1); c.2923G>A, p.Asp975Asn (NM_001385290.1); short protein forms D975N, D971N, D970N, D972N, D974N, D976N.
Identifiers: ClinVar variation 237272 (VCV000237272.18), dbSNP rs373152714, ClinGen allele CA2923903.

ClinVar aggregate classification (germline): Conflicting classifications of pathogenicity. Review status: criteria provided, conflicting classifications (1 of 4 stars). 4 submissions from 4 submitters: Uncertain significance (3); Benign (1). Last evaluated 2026-10-01.

Conditions:
Hereditary cancer-predisposing syndrome. Also called: Hereditary neoplastic syndrome; Hereditary Cancer Syndrome; Neoplastic Syndromes, Hereditary; Tumor predisposition. Identifiers: Orphanet 140162, MedGen C0027672, MeSH D009386, MONDO:0015356.
Gastrointestinal stromal tumor. Also called: Gastrointestinal stroma tumor; Gastrointestinal stromal tumor, somatic. Identifiers: Orphanet 44890, MedGen C0238198, MeSH D046152, MONDO:0011719, OMIM 606764, HP:0100723.

Allele frequency attached by ClinVar (database versions not stated): ExAC 0.00004; TOPMed 0.00007; ESP Exome Variant Server 0.00008; gnomAD 0.00009 and 0.00010.
gnomAD v4.1: 33 of 1,613,834 alleles (0.002%); highest among the groups gnomAD compares: African/African-American, 0.027%; no homozygotes.

Submissions (4):

St. Jude Molecular Pathology, St. Jude Children's Research Hospital
Classification: Uncertain significance for Gastrointestinal stromal tumor. Last evaluated: 2026-10-01. Review status: criteria provided, single submitter. Criteria: St. Jude Assertion Criteria 2020. Collection method: clinical testing. Allele origin: germline.
Comment: The KIT c.2923G>A p.(Asp975Asn) missense change has a maximum subpopulation frequency of 0.02% in gnomAD v2.1.1. The in silico tool REVEL is inconclusive about a pathogenic or benign effect of this variant on protein function, and to our knowledge functional studies have not been performed. To our knowledge, this variant has not been reported in individ uals with KIT-related gastrointestinal stromal tumor. In summary, the evidence currently available is insufficient to determine the clinical significance of this variant. It has therefore been classified as of uncertain significance (VUS-Low).

Labcorp Genetics (formerly Invitae), Labcorp
Classification: Uncertain significance for Gastrointestinal stromal tumor. Last evaluated: 2026-02-03. Review status: criteria provided, single submitter. Criteria: Invitae Variant Classification Sherloc (09022015). Collection method: clinical testing. Allele origin: germline.
Comment: This sequence change replaces aspartic acid, which is acidic and polar, with asparagine, which is neutral and polar, at codon 975 of the KIT protein (p.Asp975Asn). This variant is present in population databases (rs373152714, gnomAD 0.02%). This variant has not been reported in the literature in individuals affected with KIT-related conditions. ClinVar contains an entry for this variant (Variation ID: 237272). An algorithm developed to predict the effect of missense changes on protein structure and function (PolyPhen-2) suggests that this variant is likely to be disruptive. In summary, the available evidence is currently insufficient to determine the role of this variant in disease. Therefore, it has been classified as a Variant of Uncertain Significance.

GeneDx
Classification: Uncertain significance. Last evaluated: 2024-10-11. Review status: criteria provided, single submitter. Criteria: GeneDx Variant Classification Process June 2021. Collection method: clinical testing. Allele origin: germline.
Comment: In silico analysis indicates that this missense variant does not alter protein structure/function; Has not been previously published as pathogenic or benign to our knowledge

Ambry Genetics
Classification: Benign for Hereditary cancer-predisposing syndrome. Last evaluated: 2024-07-08. Review status: criteria provided, single submitter. Criteria: Ambry Variant Classification Scheme 2023. Collection method: clinical testing. Allele origin: germline.